The following is an entry in ClinVar:

NM_020436.5(SALL4):c.3080T>G (p.Val1027Gly)

Gene: SALL4 (spalt like transcription factor 4; minus strand). Cytogenetic location: 20q13.2.
Variant type: single nucleotide variant.
Coding change: c.3080T>G on transcript NM_020436.5 (MANE Select); coding-DNA position 3080, T replaced by G.
Protein change: p.Val1027Gly; replaces valine 1027 with glycine.
Molecular consequence: missense variant.
Genome position (GRCh38, 1-based): chr20:51,784,347, A>C on the plus strand (T>G on the coding strand, the complement: SALL4 is on the minus strand). VCF-style: chr20-51784347-A-C. GRCh37 (hg19) VCF-style: chr20-50400886-A-C.
Other names: c.1769T>G, p.Val590Gly (NM_001318031.2); short protein forms V1027G, V590G.
Identifiers: ClinVar variation 940159 (VCV000940159.12), dbSNP rs373111608, ClinGen allele CA9911926.

ClinVar aggregate classification (germline): Uncertain significance. Review status: criteria provided, multiple submitters, no conflicts (2 of 4 stars). 3 submissions from 3 submitters: Uncertain significance (3). Last evaluated 2025-02-27.

Conditions:
Oculootoradial syndrome (IVIC). Also called: RADIAL RAY DEFECTS, HEARING IMPAIRMENT, EXTERNAL OPHTHALMOPLEGIA, AND THROMBOCYTOPENIA; IVIC syndrome. Identifiers: Orphanet 2307, MedGen C1327918, MONDO:0007836, OMIM 147750.
Duane-radial ray syndrome (DRRS). Also called: ACRORENOOCULAR SYNDROME; DR SYNDROME; DUANE ANOMALY WITH RADIAL RAY ABNORMALITIES AND DEAFNESS; Duane-Radial Ray Syndrome/Okihiro Syndrome; Duane-Radial Ray Syndrome (DRRS) / Okihiro Syndrome; Okihiro Syndrome. Identifiers: Orphanet 93293, Orphanet 959, MedGen C1623209, MONDO:0011812, OMIM 607323. Disease mechanism: gain of function.
Inborn genetic diseases. Identifiers: MedGen C0950123, MeSH D030342.

Allele frequency attached by ClinVar (database versions not stated): ExAC 0.00001; gnomAD exomes 0.00002; gnomAD 0.00004; TOPMed 0.00004; ESP Exome Variant Server 0.00008.
gnomAD v4.1: 28 of 1,614,058 alleles (0.0017%); highest among the groups gnomAD compares: Admixed American, 0.005%; no homozygotes.

Submissions (3):

Ambry Genetics
Classification: Uncertain significance for Inborn genetic diseases. Last evaluated: 2025-02-27. Review status: criteria provided, single submitter. Criteria: Ambry Variant Classification Scheme 2023. Collection method: clinical testing. Allele origin: germline.

Fulgent Genetics
Classification: Uncertain significance for Oculootoradial syndrome; Duane-radial ray syndrome. Last evaluated: 2024-02-29. Review status: criteria provided, single submitter. Criteria: ACMG Guidelines, 2015. Collection method: clinical testing. Allele origin: germline.

Labcorp Genetics (formerly Invitae), Labcorp
Classification: Uncertain significance for Duane-radial ray syndrome. Last evaluated: 2019-10-01. Review status: criteria provided, single submitter. Criteria: Invitae Variant Classification Sherloc (09022015). Collection method: clinical testing. Allele origin: germline.
Comment: Algorithms developed to predict the effect of missense changes on protein structure and function output the following: SIFT: "Deleterious"; PolyPhen-2: "Benign"; Align-GVGD: "Class C0". The glycine amino acid residue is found in multiple mammalian species, suggesting that this missense change does not adversely affect protein function. These predictions have not been confirmed by published functional studies and their clinical significance is uncertain. This variant has not been reported in the literature in individuals with SALL4-related conditions. This variant is present in population databases (rs373111608, ExAC 0.001%). This sequence change replaces valine with glycine at codon 1027 of the SALL4 protein (p.Val1027Gly). The valine residue is weakly conserved and there is a moderate physicochemical difference between valine and glycine. In summary, the available evidence is currently insufficient to determine the role of this variant in disease. Therefore, it has been classified as a Variant of Uncertain Significance.